The following is an entry in ClinVar:

NM_058195.4(CDKN2A):c.194-3680A>G

Gene: CDKN2A (cyclin dependent kinase inhibitor 2A; minus strand). Cytogenetic location: 9p21.3.
Variant type: single nucleotide variant.
Coding change: c.194-3680A>G on transcript NM_058195.4 (MANE Plus Clinical); 3680 bases into the intron before coding-DNA position 194, A replaced by G.
Molecular consequence: intron variant.
Genome position (GRCh38, 1-based): chr9:21,974,888, T>C on the plus strand (A>G on the coding strand, the complement: CDKN2A is on the minus strand). VCF-style: chr9-21974888-T-C. GRCh37 (hg19) VCF-style: chr9-21974887-T-C.
Other names: c.-61A>G (NM_000077.6); c.-3-3680A>G (NM_001363763.2).
Identifiers: ClinVar variation 4982505 (VCV004982505.1).
Genomic context (GRCh38, chr9:21,974,888, plus strand): 5'-GCTGCTCCCCGCCGCCCGCTGCCTGCTCTCCCCCTCTCCGCAGCCGCCGAGCGCACGCGG[T>C]CCGCCCCACCCTCTGGTGACCAGCCAGCCCCTCCTCTTTCTTCCTCCGGTGCTGGCGGAA-3'

ClinVar aggregate classification (germline): Likely benign (1 of 4 stars; one submission).

Conditions:
CDKN2A-related disorder. Also called: CDKN2A-related condition.

gnomAD v4.1: 31 of 1,466,610 alleles (0.0021%); highest among the groups gnomAD compares: Admixed American, 0.0026%; no homozygotes.

Submission:

PreventionGenetics, part of Exact Sciences
Classification: Likely benign for CDKN2A-related condition. Last evaluated: 2026-08-21. Review status: criteria provided, single submitter. Criteria: ACMG Guidelines, 2015. Collection method: clinical testing. Allele origin: germline.
Comment: This variant is classified as likely benign based on ACMG/AMP sequence variant interpretation guidelines (Richards et al. 2015 PMID: 25741868, with internal and published modifications).